The following is an entry in ClinVar:

ClinVar aggregate classification (germline): Likely pathogenic (1 of 4 stars; one submission).

Conditions:
Brain small vessel disease 2A, autosomal dominant. Also called: Porencephaly 2. Identifiers: Orphanet 2940, Orphanet 99810, MedGen C3280970, MONDO:0013773, OMIM 614483.

Submission:

Victorian Clinical Genetics Services, Murdoch Childrens Research Institute
Classification: Likely pathogenic for Brain small vessel disease 2A, autosomal dominant. Last evaluated: 2023-07-17. Review status: criteria provided, single submitter. Criteria: ACMG Guidelines, 2015. Collection method: clinical testing. Allele origin: germline. Inheritance: Autosomal dominant inheritance.
Comment: Based on the classification scheme VCGS_Germline_v1.3.4, this variant is classified as Likely pathogenic. Following criteria are met: 0105 - The mechanism of disease for this gene is not clearly established. It appears that the mechanism resembles that of the COL4A1 gene, including loss-of-function and dominant negative, the latter resulting from Gly substitutions on the G-X-Y motif (PMIDs: 22209246, 22209247, 24001601). (I) 0107 - This gene is associated with autosomal dominant disease. However, there is emerging evidence of biallelic inheritance leading to intellectual disability, epilepsy, and spastic cerebral palsy (PMID: 33912663). (I) 0112 - The condition associated with this gene has incomplete penetrance (OMIM, PMID: 33912663). (I) 0115 - Variants in this gene are known to have variable expressivity. The severity of phenotypes varies greatly (PMID: 27794444). (I) 0200 - Variant is predicted to result in a missense amino acid change from glycine to valine. (I) 0251 - This variant is heterozygous. (I) 0301 - Variant is absent from gnomAD (both v2 and v3). (SP) 0501 - Missense variant consistently predicted to be damaging by multiple in silico tools or highly conserved with a major amino acid change. (SP) 0601 - Variant is located in the well-established functional Gly-X-Y motif within the collagen repeat domain, and affects a glycine residue (DECIPHER). (SP) 0705 - No comparable missense variants have previous evidence for pathogenicity. (I) 0807 - This variant has no previous evidence of pathogenicity. (I) 0905 - No published segregation evidence has been identified for this variant. (I) 1007 - No published functional evidence has been identified for this variant. (I) Legend: (SP) - Supporting pathogenic, (I) - Information, (SB) - Supporting benign

Literature cited by the submitters: PubMed 22209246; PubMed 22209247; PubMed 24001601; PubMed 27794444; PubMed 33912663.

NM_001846.4(COL4A2):c.2453G>T (p.Gly818Val)

Gene: COL4A2 (collagen type IV alpha 2 chain; plus strand). Cytogenetic location: 13q34.
Variant type: single nucleotide variant.
Coding change: c.2453G>T on transcript NM_001846.4 (MANE Select); coding-DNA position 2453, G replaced by T.
Protein change: p.Gly818Val; replaces glycine 818 with valine.
Molecular consequence: missense variant.
Genome position (GRCh38, 1-based): chr13:110,478,030, G>T. VCF-style: chr13-110478030-G-T. GRCh37 (hg19) VCF-style: chr13-111130377-G-T.
Other names: short protein forms G818V.
Identifiers: ClinVar variation 3255139 (VCV003255139.1), dbSNP rs2502153510.